The following is an entry in ClinVar:

NM_004309.6(ARHGDIA):c.275-38C>T

Genes: ARHGDIA (Rho GDP dissociation inhibitor alpha; minus strand), LOC130061973 (ATAC-STARR-seq lymphoblastoid silent region 9158; plus strand). Cytogenetic location: 17q25.3.
Variant type: single nucleotide variant.
Coding change: c.275-38C>T on transcript NM_004309.6 (MANE Select); 38 bases into the intron before coding-DNA position 275, C replaced by T.
Molecular consequence: intron variant. On other transcripts: synonymous variant (1).
Genome position (GRCh38, 1-based): chr17:81,869,444, G>A on the plus strand (C>T on the coding strand, the complement: ARHGDIA is on the minus strand). VCF-style: chr17-81869444-G-A. GRCh37 (hg19) VCF-style: chr17-79827320-G-A.
Other names: c.372C>T, p.Gly124= (NM_001301243.2); c.275-38C>T (NM_001185078.3, NM_001301242.2, NM_001301240.2 and 2 more transcripts).
Identifiers: ClinVar variation 3358412 (VCV003358412.1).

ClinVar aggregate classification (germline): Likely benign (0 of 4 stars; one submission).

Conditions:
ARHGDIA-related disorder. Also called: ARHGDIA-related condition.

gnomAD v4.1: 78 of 1,612,590 alleles (0.0048%); highest among the groups gnomAD compares: Non-Finnish European, 0.006%; 1 homozygote.

Submission:

PreventionGenetics, part of Exact Sciences
Classification: Likely benign for ARHGDIA-related condition. Last evaluated: 2024-04-22. Review status: no assertion criteria provided. Collection method: clinical testing. Allele origin: germline.
Comment: This variant is classified as likely benign based on ACMG/AMP sequence variant interpretation guidelines (Richards et al. 2015 PMID: 25741868, with internal and published modifications).